The following is an entry in ClinVar:

NM_001270974.2(HYDIN):c.10973T>G (p.Phe3658Cys)

Gene: HYDIN (HYDIN axonemal central pair apparatus protein; minus strand). Cytogenetic location: 16q22.2.
Variant type: single nucleotide variant.
Coding change: c.10973T>G on transcript NM_001270974.2 (MANE Select); coding-DNA position 10973, T replaced by G.
Protein change: p.Phe3658Cys; replaces phenylalanine 3658 with cysteine.
Molecular consequence: missense variant.
Genome position (GRCh38, 1-based): chr16:70,872,155, A>C on the plus strand (T>G on the coding strand, the complement: HYDIN is on the minus strand). VCF-style: chr16-70872155-A-C. GRCh37 (hg19) VCF-style: chr16-70906058-A-C.
Other names: short protein forms F3658C.
Identifiers: ClinVar variation 2499828 (VCV002499828.1), dbSNP rs773805587, ClinGen allele CA8149144.

ClinVar aggregate classification (germline): Uncertain significance (1 of 4 stars; one submission).

Allele frequency attached by ClinVar (database versions not stated): ExAC 0.00001; gnomAD 0.00004.
gnomAD v4.1: 19 of 1,503,682 alleles (0.0013%); highest among the groups gnomAD compares: African/African-American, 0.016%; no homozygotes.

Submission:

GeneDx
Classification: Uncertain significance. Last evaluated: 2022-10-18. Review status: criteria provided, single submitter. Criteria: GeneDx Variant Classification Process June 2021. Collection method: clinical testing. Allele origin: germline. Affected: yes.
Comment: In silico analysis supports that this missense variant has a deleterious effect on protein structure/function; Has not been previously published as pathogenic or benign to our knowledge